The following is an entry in ClinVar:

NM_000143.4(FH):c.1268T>G (p.Leu423Arg)

Gene: FH (fumarate hydratase; minus strand). Cytogenetic location: 1q43.
Variant type: single nucleotide variant.
Coding change: c.1268T>G on transcript NM_000143.4 (MANE Select); coding-DNA position 1268, T replaced by G.
Protein change: p.Leu423Arg; replaces leucine 423 with arginine.
Molecular consequence: missense variant.
Genome position (GRCh38, 1-based): chr1:241,500,559, A>C on the plus strand (T>G on the coding strand, the complement: FH is on the minus strand). VCF-style: chr1-241500559-A-C. GRCh37 (hg19) VCF-style: chr1-241663859-A-C.
Other names: p.L423R:CTG>CGG; short protein forms L423R.
Identifiers: ClinVar variation 214424 (VCV000214424.13), dbSNP rs863224009, ClinGen allele CA320395.

ClinVar aggregate classification (germline): Pathogenic/Likely pathogenic. Review status: criteria provided, multiple submitters, no conflicts (2 of 4 stars). 3 submissions from 3 submitters: Pathogenic (1); Likely pathogenic (2). Last evaluated 2025-12-10.

Conditions:
Hereditary cancer-predisposing syndrome. Also called: Hereditary neoplastic syndrome; Neoplastic Syndromes, Hereditary; Tumor predisposition; Hereditary Cancer Syndrome. Identifiers: Orphanet 140162, MedGen C0027672, MeSH D009386, MONDO:0015356.

Submissions (3):

Labcorp Genetics (formerly Invitae), Labcorp
Classification: Likely pathogenic. Last evaluated: 2025-12-10. Review status: criteria provided, single submitter. Criteria: Invitae Variant Classification Sherloc (09022015). Collection method: clinical testing. Allele origin: germline.
Comment: This sequence change replaces leucine, which is neutral and non-polar, with arginine, which is basic and polar, at codon 423 of the FH protein (p.Leu423Arg). This variant is not present in population databases (gnomAD no frequency). This missense change has been observed in individuals with hereditary leiomyomatosis and renal cell cancer (external communication, internal data). ClinVar contains an entry for this variant (Variation ID: 214424). Invitae Evidence Modeling of protein sequence and biophysical properties (such as structural, functional, and spatial information, amino acid conservation, physicochemical variation, residue mobility, and thermodynamic stability) indicates that this missense variant is expected to disrupt FH protein function with a positive predictive value of 95%. In summary, the currently available evidence indicates that the variant is pathogenic, but additional data are needed to prove that conclusively. Therefore, this variant has been classified as Likely Pathogenic.

Ambry Genetics
Classification: Pathogenic for Hereditary cancer-predisposing syndrome. Last evaluated: 2025-09-24. Review status: criteria provided, single submitter. Criteria: Ambry Variant Classification Scheme 2023. Collection method: clinical testing. Allele origin: germline.
Comment: The p.L423R pathogenic mutation (also known as c.1268T>G), located in coding exon 9 of the FH gene, results from a T to G substitution at nucleotide position 1268. The leucine at codon 423 is replaced by arginine, an amino acid with dissimilar properties. This alteration has been observed in individuals whose personal and/or family history are consistent with FH-associated disease (Lau HD et al. Am. J. Surg. Pathol. 2020 01;44:98-110; external communication; Ambry internal data). Based on internal structural assessment, this alteration results in disruption of the core FH monomer fold (Ajalla Aleixo MA et al. FEBS J. 2019 May;286:1925-1940). This amino acid position is highly conserved in available vertebrate species. This variant is considered to be rare based on population cohorts in the Genome Aggregation Database (gnomAD). In addition, this alteration is predicted to be deleterious by in silico analysis. Based on the supporting evidence, this variant is interpreted as a disease-causing mutation.

GeneDx
Classification: Likely pathogenic. Last evaluated: 2015-05-13. Review status: criteria provided, single submitter. Criteria: GeneDx Variant Classification (06012015). Collection method: clinical testing. Allele origin: germline. Affected: yes.
Comment: p.Leu423Arg; c.1268 T>G. The L423R variant has not been published as a mutation, nor has it been reported as a benign polymorphism to our knowledge. The L423R variant was not observed in approximately 6,500 individuals of European and African American ancestry in the NHLBI Exome Sequencing Project, indicating it is not a common benign variant in these populations. The L423R variant is a non-conservative amino acid substitution, which is likely to impact secondary protein structure as these residues differ in polarity, charge, size and/or other properties. This substitution occurs at a position that is highly conserved across species. In silico analysis predicts this variant is probably damaging to the protein structure/function. Missense mutations in nearby residues (S419P, D425V) have been reported in association with an FH-related disorder, supporting the functional importance of this region of the protein. Therefore, this variant is a strong candidate for a pathogenic mutation; however, the possibility that it is a benign variant cannot be excluded. The variant is found in FH panel(s).

Literature cited by the submitters: PubMed 30761759 (cited by Ambry Genetics); PubMed 31524643 (cited by Ambry Genetics).